The following is an entry in ClinVar:

NM_000836.4(GRIN2D):c.1641C>T (p.Ser547=)

Gene: GRIN2D (glutamate ionotropic receptor NMDA type subunit 2D; plus strand). Cytogenetic location: 19q13.33.
Variant type: single nucleotide variant.
Coding change: c.1641C>T on transcript NM_000836.4 (MANE Select); coding-DNA position 1641, C replaced by T.
Protein change: p.Ser547=; no amino-acid change (serine 547 retained).
Molecular consequence: synonymous variant.
Genome position (GRCh38, 1-based): chr19:48,416,061, C>T. VCF-style: chr19-48416061-C-T. GRCh37 (hg19) VCF-style: chr19-48919318-C-T.
Identifiers: ClinVar variation 745839 (VCV000745839.12), dbSNP rs148340456, ClinGen allele CA9550564.

ClinVar aggregate classification (germline): Benign/Likely benign. Review status: criteria provided, multiple submitters, no conflicts (2 of 4 stars). 3 submissions from 3 submitters: Benign (1); Likely benign (1). 1 of the submissions does not count toward it. Last evaluated 2025-07-10.

Conditions:
GRIN2D-related disorder. Also called: GRIN2D-related condition.

Allele frequency attached by ClinVar (database versions not stated): TOPMed 0.00005; 1000 Genomes Project 30x 0.00016; ESP Exome Variant Server 0.00023; gnomAD 0.00057.
gnomAD v4.1: 360 of 1,613,988 alleles (0.022%); highest among the groups gnomAD compares: Non-Finnish European, 0.0063%; 2 homozygotes.

Submissions (3):

Labcorp Genetics (formerly Invitae), Labcorp
Classification: Benign. Last evaluated: 2025-07-10. Review status: criteria provided, single submitter. Criteria: Invitae Variant Classification Sherloc (09022015). Collection method: clinical testing. Allele origin: germline.

Blueprint Genetics
Classification: Likely benign. Last evaluated: 2024-08-07. Review status: criteria provided, single submitter. Criteria: ACMG Guidelines, 2015. Collection method: clinical testing. Allele origin: germline.

PreventionGenetics, part of Exact Sciences
Classification: Likely benign for GRIN2D-related condition. Last evaluated: 2019-03-29. Review status: no assertion criteria provided. Collection method: clinical testing. Allele origin: germline. Not counted in ClinVar's aggregate classification.
Comment: This variant is classified as likely benign based on ACMG/AMP sequence variant interpretation guidelines (Richards et al. 2015 PMID: 25741868, with internal and published modifications).